The following is an entry in ClinVar:

NM_002087.4(GRN):c.554A>G (p.His185Arg)

Gene: GRN (granulin precursor; plus strand). Cytogenetic location: 17q21.31.
Variant type: single nucleotide variant.
Coding change: c.554A>G on transcript NM_002087.4 (MANE Select); coding-DNA position 554, A replaced by G.
Protein change: p.His185Arg; replaces histidine 185 with arginine.
Molecular consequence: missense variant.
Genome position (GRCh38, 1-based): chr17:44,350,533, A>G. VCF-style: chr17-44350533-A-G. GRCh37 (hg19) VCF-style: chr17-42427901-A-G.
Other names: p.His185Arg; c.554A>G (NM_002087.3); short protein forms H185R.
Identifiers: ClinVar variation 2195761 (VCV002195761.5), dbSNP rs1175336707, ClinGen allele CA399763900.

ClinVar aggregate classification (germline): Uncertain significance. Review status: criteria provided, multiple submitters, no conflicts (2 of 4 stars). 2 submissions from 2 submitters: Uncertain significance (2). Last evaluated 2024-02-16.

Conditions:
GRN-related frontotemporal lobar degeneration with Tdp43 inclusions (FTD2). Also called: DEMENTIA, HEREDITARY DYSPHASIC DISINHIBITION; FRONTOTEMPORAL LOBAR DEGENERATION WITH UBIQUITIN-POSITIVE INCLUSIONS; FTLD-TDP, GRN-RELATED; GRN Frontotemporal Dementia; FRONTOTEMPORAL DEMENTIA WITH TDP43 INCLUSIONS, GRN-RELATED. Identifiers: Orphanet 100070, Orphanet 282, MedGen C1843792, MONDO:0011842, OMIM 607485. Disease mechanism: loss of function.
Neuronal ceroid lipofuscinosis 11. Also called: GRN-Related Neuronal Ceroid-Lipofuscinosis. Identifiers: Orphanet 314629, Orphanet 79262, MedGen C3539123, MONDO:0013866, OMIM 614706.

gnomAD v4.1: 1 of 1,613,710 alleles (0.000062%); highest among the groups gnomAD compares: Non-Finnish European, 0.000085%; no homozygotes.

Submissions (2):

Mayo Clinic Laboratories, Mayo Clinic
Classification: Uncertain significance. Last evaluated: 2024-02-16. Review status: criteria provided, single submitter. Criteria: ACMG Guidelines, 2015. Collection method: clinical testing. Allele origin: germline. Observed: 1 variant allele.
Comment: BP4

Labcorp Genetics (formerly Invitae), Labcorp
Classification: Uncertain significance for Neuronal ceroid lipofuscinosis 11; GRN-related frontotemporal lobar degeneration with Tdp43 inclusions. Last evaluated: 2022-10-08. Review status: criteria provided, single submitter. Criteria: Invitae Variant Classification Sherloc (09022015). Collection method: clinical testing. Allele origin: germline.
Comment: This variant is not present in population databases (gnomAD no frequency). This sequence change replaces histidine, which is basic and polar, with arginine, which is basic and polar, at codon 185 of the GRN protein (p.His185Arg). This variant has not been reported in the literature in individuals affected with GRN-related conditions. In summary, the available evidence is currently insufficient to determine the role of this variant in disease. Therefore, it has been classified as a Variant of Uncertain Significance. Advanced modeling of protein sequence and biophysical properties (such as structural, functional, and spatial information, amino acid conservation, physicochemical variation, residue mobility, and thermodynamic stability) performed at Invitae indicates that this missense variant is not expected to disrupt GRN protein function.